The following is an entry in ClinVar:

ClinVar aggregate classification (germline): Conflicting classifications of pathogenicity. Review status: criteria provided, conflicting classifications (1 of 4 stars). 5 submissions from 5 submitters: Uncertain significance (1); Likely benign (3). 1 of the submissions does not count toward it. Last evaluated 2025-11-27.

Conditions:
Cardiovascular phenotype. Identifiers: MedGen CN230736.
Hyperlipoproteinemia, type I. Also called: Lipoprotein Lipase Deficiency; HYPERLIPOPROTEINEMIA, TYPE IA; LPL DEFICIENCY; Hyperlipoproteinemia type 1; Hyperchylomicro-nemia familial; Familial chylomicronemia. Identifiers: Orphanet 309015, Orphanet 444490, MedGen C0023817, MONDO:0009387, OMIM 238600. Disease mechanism: loss of function.

Allele frequency attached by ClinVar (database versions not stated): gnomAD exomes 0.00026 and 0.00010; TOPMed 0.00020; ESP Exome Variant Server 0.00038; ExAC 0.00010; gnomAD 0.00013.
gnomAD v4.1: 386 of 1,612,948 alleles (0.024%); highest among the groups gnomAD compares: Non-Finnish European, 0.031%; no homozygotes.

Submissions (5):

Labcorp Genetics (formerly Invitae), Labcorp
Classification: Likely benign. Last evaluated: 2025-11-27. Review status: criteria provided, single submitter. Criteria: Invitae Variant Classification Sherloc (09022015). Collection method: clinical testing. Allele origin: germline.

Mayo Clinic Laboratories, Mayo Clinic
Classification: Likely benign. Last evaluated: 2025-06-06. Review status: criteria provided, single submitter. Criteria: ACMG Guidelines, 2015. Collection method: clinical testing. Allele origin: germline. Observed: 1 variant allele.
Comment: BP4, BP7, PM2_supporting

Ambry Genetics
Classification: Likely benign for Cardiovascular phenotype. Last evaluated: 2022-04-03. Review status: criteria provided, single submitter. Criteria: Ambry Variant Classification Scheme 2023. Collection method: clinical testing. Allele origin: germline.

Illumina Laboratory Services, Illumina
Classification: Uncertain significance for Hyperlipoproteinemia, type I. Last evaluated: 2018-01-13. Review status: criteria provided, single submitter. Criteria: ICSL Variant Classification Criteria 13 December 2019. Collection method: clinical testing. Allele origin: germline.

Natera, Inc.
Classification: Likely benign for Lipoprotein lipase deficiency. Last evaluated: 2020-09-16. Review status: no assertion criteria provided. Collection method: clinical testing. Allele origin: germline. Not counted in ClinVar's aggregate classification.

NM_000237.3(LPL):c.528C>G (p.Val176=)

Gene: LPL (lipoprotein lipase; plus strand). Cytogenetic location: 8p21.3.
Variant type: single nucleotide variant.
Coding change: c.528C>G on transcript NM_000237.3 (MANE Select); coding-DNA position 528, C replaced by G.
Protein change: p.Val176=; no amino-acid change (valine 176 retained).
Molecular consequence: synonymous variant.
Genome position (GRCh38, 1-based): chr8:19,953,408, C>G. VCF-style: chr8-19953408-C-G. GRCh37 (hg19) VCF-style: chr8-19810919-C-G.
Other names: p.Val176=.
Identifiers: ClinVar variation 747870 (VCV000747870.17), dbSNP rs199606532, ClinGen allele CA4655439.